The following is an entry in ClinVar:

ClinVar aggregate classification (germline): Uncertain significance. Review status: criteria provided, multiple submitters, no conflicts (2 of 4 stars). 2 submissions from 2 submitters: Uncertain significance (2). Last evaluated 2025-09-10.

Allele frequency attached by ClinVar (database versions not stated): gnomAD exomes 0.00001 and 0.00002; gnomAD 0.00002; TOPMed 0.00002.
gnomAD v4.1: 27 of 1,210,227 alleles (0.0022%); highest among the groups gnomAD compares: Admixed American, 0.0044%; no homozygotes.

Submissions (2):

Ambry Genetics
Classification: Uncertain significance. Last evaluated: 2025-09-10. Review status: criteria provided, single submitter. Criteria: Ambry Variant Classification Scheme 2023. Collection method: clinical testing. Allele origin: germline.

Labcorp Genetics (formerly Invitae), Labcorp
Classification: Uncertain significance. Last evaluated: 2025-06-04. Review status: criteria provided, single submitter. Criteria: Invitae Variant Classification Sherloc (09022015). Collection method: clinical testing. Allele origin: germline.
Comment: This sequence change replaces glutamic acid, which is acidic and polar, with aspartic acid, which is acidic and polar, at codon 611 of the SH3KBP1 protein (p.Glu611Asp). This variant is present in population databases (no rsID available, gnomAD 0.001%). This variant has not been reported in the literature in individuals affected with SH3KBP1-related conditions. ClinVar contains an entry for this variant (Variation ID: 1356795). Invitae Evidence Modeling of protein sequence and biophysical properties (such as structural, functional, and spatial information, amino acid conservation, physicochemical variation, residue mobility, and thermodynamic stability) indicates that this missense variant is not expected to disrupt SH3KBP1 protein function with a negative predictive value of 80%. In summary, the available evidence is currently insufficient to determine the role of this variant in disease. Therefore, it has been classified as a Variant of Uncertain Significance.

NM_031892.3(SH3KBP1):c.1833G>C (p.Glu611Asp)

Gene: SH3KBP1 (SH3 domain containing kinase binding protein 1; minus strand). Cytogenetic location: Xp22.12.
Variant type: single nucleotide variant.
Coding change: c.1833G>C on transcript NM_031892.3 (MANE Select); coding-DNA position 1833, G replaced by C.
Protein change: p.Glu611Asp; replaces glutamic acid 611 with aspartic acid.
Molecular consequence: missense variant.
Genome position (GRCh38, 1-based): chrX:19,541,984, C>G on the plus strand (G>C on the coding strand, the complement: SH3KBP1 is on the minus strand). VCF-style: chrX-19541984-C-G. GRCh37 (hg19) VCF-style: chrX-19560102-C-G.
Other names: c.1833G>C (NM_031892.2); c.1722G>C, p.Glu574Asp (NM_001024666.3); c.1119G>C, p.Glu373Asp (NM_001184960.2); c.1704G>C, p.Glu568Asp (NM_001353890.2); c.1908G>C, p.Glu636Asp (NM_001353891.2); c.1779G>C, p.Glu593Asp (NM_001353892.2); c.1731G>C, p.Glu577Asp (NM_001353893.2); c.1602G>C, p.Glu534Asp (NM_001353894.2); and 2 more; short protein forms E553D, E577D, E593D, E330D, E611D, E636D, E373D, E534D.
Identifiers: ClinVar variation 1356795 (VCV001356795.7), dbSNP rs1211416124, ClinGen allele CA412495706.